The following is an entry in ClinVar:

NM_000059.4(BRCA2):c.5474C>G (p.Ala1825Gly)

Gene: BRCA2 (BRCA2 DNA repair associated; plus strand). Cytogenetic location: 13q13.1.
Variant type: single nucleotide variant.
Coding change: c.5474C>G on transcript NM_000059.4 (MANE Select); coding-DNA position 5474, C replaced by G.
Protein change: p.Ala1825Gly; replaces alanine 1825 with glycine.
Molecular consequence: missense variant.
Genome position (GRCh38, 1-based): chr13:32,339,829, C>G. VCF-style: chr13-32339829-C-G. GRCh37 (hg19) VCF-style: chr13-32913966-C-G.
Other names: short protein forms A1825G.
Identifiers: ClinVar variation 970911 (VCV000970911.13), dbSNP rs397507352, ClinGen allele CA387785694.

ClinVar aggregate classification (germline): Conflicting classifications of pathogenicity. Review status: criteria provided, conflicting classifications (1 of 4 stars). 4 submissions from 4 submitters: Uncertain significance (2); Likely benign (1). 1 of the submissions does not count toward it. Last evaluated 2025-03-04.

Conditions:
Hereditary breast ovarian cancer syndrome. Also called: BRCA1- and BRCA2-Associated Hereditary Breast and Ovarian Cancer; Hereditary breast and/or ovarian cancer syndrome; Hereditary breast and ovarian cancer syndrome; Hereditary breast and ovarian cancer; Hereditary breast and ovarian cancer syndrome (HBOC); Breast and ovarian cancer. Identifiers: Orphanet 145, MedGen C0677776, MeSH D061325, MONDO:0003582. Disease mechanism: loss of function.
Breast-ovarian cancer, familial, susceptibility to, 2 (BROVCA2). Also called: BRCA2 Hereditary Breast and Ovarian Cancer. Identifiers: Orphanet 145, MedGen C2675520, MONDO:0012933, OMIM 612555. Disease mechanism: loss of function.
Hereditary cancer-predisposing syndrome. Also called: Hereditary neoplastic syndrome; Hereditary Cancer Syndrome; Tumor predisposition; Neoplastic Syndromes, Hereditary. Identifiers: Orphanet 140162, MedGen C0027672, MeSH D009386, MONDO:0015356.

Submissions (4):

Center for Genomic Medicine, Rigshospitalet, Copenhagen University Hospital
Classification: Uncertain significance. Last evaluated: 2025-03-04. Review status: criteria provided, single submitter. Criteria: ACMG Guidelines, 2015. Collection method: clinical testing. Allele origin: germline.

Labcorp Genetics (formerly Invitae), Labcorp
Classification: Uncertain significance for Hereditary breast ovarian cancer syndrome. Last evaluated: 2024-11-11. Review status: criteria provided, single submitter. Criteria: Invitae Variant Classification Sherloc (09022015). Collection method: clinical testing. Allele origin: germline.
Comment: This sequence change replaces alanine, which is neutral and non-polar, with glycine, which is neutral and non-polar, at codon 1825 of the BRCA2 protein (p.Ala1825Gly). This variant is not present in population databases (gnomAD no frequency). This variant has not been reported in the literature in individuals affected with BRCA2-related conditions. ClinVar contains an entry for this variant (Variation ID: 970911). Invitae Evidence Modeling of protein sequence and biophysical properties (such as structural, functional, and spatial information, amino acid conservation, physicochemical variation, residue mobility, and thermodynamic stability) indicates that this missense variant is not expected to disrupt BRCA2 protein function with a negative predictive value of 95%. In summary, the available evidence is currently insufficient to determine the role of this variant in disease. Therefore, it has been classified as a Variant of Uncertain Significance.

University of Washington Department of Laboratory Medicine, University of Washington
Classification: Likely benign for Hereditary cancer-predisposing syndrome. Last evaluated: 2023-03-23. Review status: criteria provided, single submitter. Criteria: Dines et al. (Genet Med. 2020). Collection method: curation. Allele origin: germline.
Comment: Missense variant in a coldspot region where missense variants are very unlikely to be pathogenic (PMID:31911673).

BRCA2 exon 11 coldspot. Reclassification based on statistical prior probability.

BRCAlab, Lund University
Classification: Uncertain significance for Breast-ovarian cancer, familial, susceptibility to, 2. Last evaluated: 2020-03-02. Review status: no assertion criteria provided. Collection method: clinical testing. Allele origin: germline. Affected: yes. Not counted in ClinVar's aggregate classification.